The following is an entry in ClinVar:

ClinVar aggregate classification (germline): Likely benign (1 of 4 stars; one submission).

Conditions:
KDM1A-related disorder. Also called: KDM1A-related condition.

Submission:

PreventionGenetics, part of Exact Sciences
Classification: Likely benign for KDM1A-related condition. Last evaluated: 2026-05-22. Review status: criteria provided, single submitter. Criteria: ACMG Guidelines, 2015. Collection method: clinical testing. Allele origin: germline.
Comment: This variant is classified as likely benign based on ACMG/AMP sequence variant interpretation guidelines (Richards et al. 2015 PMID: 25741868, with internal and published modifications).

NM_001009999.3(KDM1A):c.1323-9C>T

Gene: KDM1A (lysine demethylase 1A; plus strand). Cytogenetic location: 1p36.12.
Variant type: single nucleotide variant.
Coding change: c.1323-9C>T on transcript NM_001009999.3 (MANE Select); 9 bases into the intron before coding-DNA position 1323, C replaced by T.
Molecular consequence: intron variant.
Genome position (GRCh38, 1-based): chr1:23,069,052, C>T. VCF-style: chr1-23069052-C-T. GRCh37 (hg19) VCF-style: chr1-23395545-C-T.
Other names: c.1311-9C>T (NM_001410762.1); c.1251-9C>T (NM_001363654.2, NM_001410763.1, NM_015013.4).
Identifiers: ClinVar variation 4991923 (VCV004991923.1).